The following is an entry in ClinVar:

NM_001270974.2(HYDIN):c.6669+1G>A

Gene: HYDIN (HYDIN axonemal central pair apparatus protein; minus strand). Cytogenetic location: 16q22.2.
Variant type: single nucleotide variant.
Coding change: c.6669+1G>A on transcript NM_001270974.2 (MANE Select); the canonical splice donor site of the intron after coding-DNA position 6669, G replaced by A.
Molecular consequence: splice donor variant.
Genome position (GRCh38, 1-based): chr16:70,943,811, C>T on the plus strand (G>A on the coding strand, the complement: HYDIN is on the minus strand). VCF-style: chr16-70943811-C-T. GRCh37 (hg19) VCF-style: chr16-70977714-C-T.
Identifiers: ClinVar variation 3027489 (VCV003027489.3), dbSNP rs373719742, ClinGen allele CA8150212.
Genomic context (GRCh38, chr16:70,943,811, plus strand): 5'-GGTGTGGGGATGGTGCGTGAATGCCAAGCCCTGCAGCTCTGTGCAGGTGGCATGGACCCA[C>T]CTGTATCCGCTCTGCCAGGATCTGCACGAGAAGTTCATCCGGGAGCACACAGCTCATCAG-3'

ClinVar aggregate classification (germline): Likely pathogenic. Review status: criteria provided, multiple submitters, no conflicts (2 of 4 stars). 3 submissions from 3 submitters: Likely pathogenic (3). Last evaluated 2026-02-06.

Conditions:
Primary ciliary dyskinesia 5. Also called: CILIARY DYSKINESIA, PRIMARY, 5, WITHOUT SITUS INVERSUS. Identifiers: Orphanet 244, MedGen C1837615, MONDO:0012088, OMIM 608647.
Primary ciliary dyskinesia. Also called: Ciliary dyskinesia. Identifiers: Orphanet 244, MedGen C0008780, MONDO:0016575, HP:0012265.

Allele frequency attached by ClinVar (database versions not stated): ExAC 0.00001; gnomAD 0.00006; TOPMed 0.00006; ESP Exome Variant Server 0.00008; gnomAD exomes 0.00016.
gnomAD v4.1: 231 of 1,611,654 alleles (0.014%); highest among the groups gnomAD compares: Non-Finnish European, 0.019%; no homozygotes.

Submissions (3):

GeneDx
Classification: Likely pathogenic. Last evaluated: 2026-02-06. Review status: criteria provided, single submitter. Criteria: GeneDx Variant Classification Process June 2021. Collection method: clinical testing. Allele origin: germline.
Comment: Canonical splice site variant predicted to result in an in-frame loss of the adjacent exon in a gene for which loss of function is a known mechanism of disease; This variant is associated with the following publications: (PMID: 38605126, 29363216)

Molecular Genetics McLendon Clinical Laboratories, University of North Carolina at Chapel Hill
Classification: Likely pathogenic for Primary ciliary dyskinesia. Last evaluated: 2025-11-26. Review status: criteria provided, single submitter. Criteria: ACMG Guidelines, 2015. Collection method: clinical testing. Allele origin: germline. Affected: yes.

Royal Brompton Clinical Genetics And Genomics Laboratory, NHS South East Genomic Laboratory Hub
Classification: Likely pathogenic for Primary ciliary dyskinesia 5. Last evaluated: 2024-03-06. Review status: criteria provided, single submitter. Criteria: RBHT-CGGL ClinVar Assertion Criteria. Collection method: clinical testing. Allele origin: germline. Affected: yes. Observed: 2 variant alleles.
Comment: 2 siblings Compound heterozygous with pathogenic NM_001270974.2:c.1529del

Literature cited by the submitters: PubMed 29363216 (cited by Royal Brompton Clinical Genetics And Genomics Laboratory, NHS South East Genomic Laboratory Hub).